The following is an entry in ClinVar:

NM_016222.4(DDX41):c.1549+5G>C

Gene: DDX41 (DEAD-box helicase 41; minus strand). Cytogenetic location: 5q35.3.
Variant type: single nucleotide variant.
Coding change: c.1549+5G>C on transcript NM_016222.4 (MANE Select); 5 bases into the intron after coding-DNA position 1549, G replaced by C.
Molecular consequence: intron variant.
Genome position (GRCh38, 1-based): chr5:177,512,491, C>G on the plus strand (G>C on the coding strand, the complement: DDX41 is on the minus strand). VCF-style: chr5-177512491-C-G. GRCh37 (hg19) VCF-style: chr5-176939492-C-G.
Other names: c.1171+5G>C (NM_001321830.2, NM_001321732.2).
Identifiers: ClinVar variation 4704021 (VCV004704021.1).

ClinVar aggregate classification (germline): Uncertain significance (1 of 4 stars; one submission).

Submission:

Labcorp Genetics (formerly Invitae), Labcorp
Classification: Uncertain significance. Last evaluated: 2025-12-06. Review status: criteria provided, single submitter. Criteria: Invitae Variant Classification Sherloc (09022015). Collection method: clinical testing. Allele origin: germline.
Comment: This sequence change falls in intron 14 of the DDX41 gene. It does not directly change the encoded amino acid sequence of the DDX41 protein. It affects a nucleotide within the consensus splice site. The frequency data for this variant in the population databases is considered unreliable, as metrics indicate poor data quality at this position in the gnomAD database. This variant has not been reported in the literature in individuals affected with DDX41-related conditions. Variants that disrupt the consensus splice site are a relatively common cause of aberrant splicing (PMID: 17576681, 9536098). Algorithms developed to predict the effect of sequence changes on RNA splicing suggest that this variant is not likely to affect RNA splicing. In summary, the available evidence is currently insufficient to determine the role of this variant in disease. Therefore, it has been classified as a Variant of Uncertain Significance.

Literature cited by the submitters: PubMed 17576681; PubMed 9536098.